The following is an entry in ClinVar:

ClinVar aggregate classification (germline): Uncertain significance (1 of 4 stars; one submission).

Allele frequency attached by ClinVar (database versions not stated): gnomAD 0.00001; TOPMed 0.00002; ESP Exome Variant Server 0.00008.
gnomAD v4.1: 12 of 1,613,798 alleles (0.00074%); highest among the groups gnomAD compares: African/African-American, 0.0027%; no homozygotes.

Submission:

Labcorp Genetics (formerly Invitae), Labcorp
Classification: Uncertain significance. Last evaluated: 2023-11-27. Review status: criteria provided, single submitter. Criteria: Invitae Variant Classification Sherloc (09022015). Collection method: clinical testing. Allele origin: germline.
Comment: This sequence change replaces alanine, which is neutral and non-polar, with valine, which is neutral and non-polar, at codon 2123 of the LRP2 protein (p.Ala2123Val). The frequency data for this variant in the population databases is considered unreliable, as metrics indicate poor data quality at this position in the gnomAD database. This variant has not been reported in the literature in individuals affected with LRP2-related conditions. ClinVar contains an entry for this variant (Variation ID: 2120772). Advanced modeling of protein sequence and biophysical properties (such as structural, functional, and spatial information, amino acid conservation, physicochemical variation, residue mobility, and thermodynamic stability) performed at Invitae indicates that this missense variant is not expected to disrupt LRP2 protein function with a negative predictive value of 95%. In summary, the available evidence is currently insufficient to determine the role of this variant in disease. Therefore, it has been classified as a Variant of Uncertain Significance.

NM_004525.3(LRP2):c.6368C>T (p.Ala2123Val)

Gene: LRP2 (LDL receptor related protein 2; minus strand). Cytogenetic location: 2q31.1.
Variant type: single nucleotide variant.
Coding change: c.6368C>T on transcript NM_004525.3 (MANE Select); coding-DNA position 6368, C replaced by T.
Protein change: p.Ala2123Val; replaces alanine 2123 with valine.
Molecular consequence: missense variant.
Genome position (GRCh38, 1-based): chr2:169,209,554, G>A on the plus strand (C>T on the coding strand, the complement: LRP2 is on the minus strand). VCF-style: chr2-169209554-G-A. GRCh37 (hg19) VCF-style: chr2-170066064-G-A.
Other names: short protein forms A2123V.
Identifiers: ClinVar variation 2120772 (VCV002120772.2), dbSNP rs149906123, ClinGen allele CA59897758.